The following is an entry in ClinVar:

NM_001289104.2(PRKCSH):c.842G>A (p.Arg281Gln)

Gene: PRKCSH (PRKCSH beta subunit of glucosidase II; plus strand). Cytogenetic location: 19p13.2.
Variant type: single nucleotide variant.
Coding change: c.842G>A on transcript NM_001289104.2 (MANE Select); coding-DNA position 842, G replaced by A.
Protein change: p.Arg281Gln; replaces arginine 281 with glutamine.
Molecular consequence: missense variant.
Genome position (GRCh38, 1-based): chr19:11,447,153, G>A. VCF-style: chr19-11447153-G-A. GRCh37 (hg19) VCF-style: chr19-11557968-G-A.
Other names: c.842G>A, p.Arg281Gln (NM_001001329.3, NM_001289102.2, NM_001289103.2 and 3 more transcripts); short protein forms R281Q.
Identifiers: ClinVar variation 3583434 (VCV003583434.2).

ClinVar aggregate classification (germline): Uncertain significance. Review status: criteria provided, multiple submitters, no conflicts (2 of 4 stars). 2 submissions from 2 submitters: Uncertain significance (2). Last evaluated 2025-02-20.

Conditions:
Polycystic liver disease 1 (PCLD1). Also called: Polycystic liver disease 1 with or without kidney cysts. Identifiers: Orphanet 2924, MedGen C0887850, MONDO:0008265, OMIM 174050.

gnomAD v4.1: 104 of 1,613,764 alleles (0.0064%); highest among the groups gnomAD compares: Non-Finnish European, 0.0081%; no homozygotes.

Submissions (2):

Labcorp Genetics (formerly Invitae), Labcorp
Classification: Uncertain significance. Last evaluated: 2025-02-20. Review status: criteria provided, single submitter. Criteria: Invitae Variant Classification Sherloc (09022015). Collection method: clinical testing. Allele origin: germline.
Comment: This sequence change replaces arginine, which is basic and polar, with glutamine, which is neutral and polar, at codon 281 of the PRKCSH protein (p.Arg281Gln). This variant is present in population databases (rs775833098, gnomAD 0.006%). This variant has not been reported in the literature in individuals affected with PRKCSH-related conditions. ClinVar contains an entry for this variant (Variation ID: 3583434). An algorithm developed to predict the effect of missense changes on protein structure and function outputs the following: PolyPhen-2: "Benign". The glutamine amino acid residue is found in multiple mammalian species, which suggests that this missense change does not adversely affect protein function. In summary, the available evidence is currently insufficient to determine the role of this variant in disease. Therefore, it has been classified as a Variant of Uncertain Significance.

Fulgent Genetics
Classification: Uncertain significance for Polycystic liver disease 1. Last evaluated: 2024-01-05. Review status: criteria provided, single submitter. Criteria: ACMG Guidelines, 2015. Collection method: clinical testing. Allele origin: germline.